The following is an entry in ClinVar:

ClinVar aggregate classification (germline): Benign/Likely benign. Review status: criteria provided, multiple submitters, no conflicts (2 of 4 stars). 5 submissions from 5 submitters: Benign (2); Likely benign (2). 1 of the submissions does not count toward it. Last evaluated 2026-09-01.

Conditions:
MGME1-related disorder. Also called: MGME1-related condition.

Allele frequency attached by ClinVar (database versions not stated): ESP Exome Variant Server 0.00015; gnomAD exomes 0.00069 and 0.00219; gnomAD 0.00090 and 0.00102; 1000 Genomes Project 30x 0.00109; 1000 Genomes Project 0.00140; TOPMed 0.00149; ExAC 0.00201.
gnomAD v4.1: 1,167 of 1,614,188 alleles (0.072%); highest among the groups gnomAD compares: East Asian, 1%; 9 homozygotes.

Submissions (5):

CeGaT Center for Human Genetics Tuebingen
Classification: Likely benign. Last evaluated: 2026-09-01. Review status: criteria provided, single submitter. Criteria: CeGaT Center For Human Genetics Tuebingen Variant Classification Criteria Version 2. Collection method: clinical testing. Allele origin: germline. Affected: yes. Observed: 8 variant alleles.
Comment: MGME1: BP4, BS1

Labcorp Genetics (formerly Invitae), Labcorp
Classification: Benign. Last evaluated: 2026-01-21. Review status: criteria provided, single submitter. Criteria: Invitae Variant Classification Sherloc (09022015). Collection method: clinical testing. Allele origin: germline.

GeneDx
Classification: Benign. Last evaluated: 2017-04-28. Review status: criteria provided, single submitter. Criteria: GeneDx Variant Classification (06012015). Collection method: clinical testing. Allele origin: germline. Affected: yes.
Comment: This variant is considered likely benign or benign based on one or more of the following criteria: it is a conservative change, it occurs at a poorly conserved position in the protein, it is predicted to be benign by multiple in silico algorithms, and/or has population frequency not consistent with disease.

Center for Pediatric Genomic Medicine, Children's Mercy Hospital and Clinics
Classification: Likely benign. Last evaluated: 2016-05-04. Review status: criteria provided, single submitter. Criteria: ACMG Guidelines, 2015. Collection method: clinical testing. Allele origin: germline.
ClinVar note: Converted during submission from Likely Benign to Likely benign.

PreventionGenetics, part of Exact Sciences
Classification: Benign for MGME1-related condition. Last evaluated: 2019-06-17. Review status: no assertion criteria provided. Collection method: clinical testing. Allele origin: germline. Not counted in ClinVar's aggregate classification.
Comment: This variant is classified as benign based on ACMG/AMP sequence variant interpretation guidelines (Richards et al. 2015 PMID: 25741868, with internal and published modifications).

NM_052865.4(MGME1):c.86C>G (p.Ser29Cys)

Genes: MGME1 (mitochondrial genome maintenance exonuclease 1; plus strand), LOC126862983 (CDK7 strongly-dependent group 2 enhancer GRCh37_chr20:17950167-17951366; plus strand). Cytogenetic location: 20p11.23.
Variant type: single nucleotide variant.
Coding change: c.86C>G on transcript NM_052865.4 (MANE Select); coding-DNA position 86, C replaced by G.
Protein change: p.Ser29Cys; replaces serine 29 with cysteine.
Molecular consequence: missense variant.
Genome position (GRCh38, 1-based): chr20:17,969,945, C>G. VCF-style: chr20-17969945-C-G. GRCh37 (hg19) VCF-style: chr20-17950588-C-G.
Other names: c.86C>G, p.Ser29Cys (NM_001310338.2, NM_001310339.2, NM_001363738.2); short protein forms S29C.
Identifiers: ClinVar variation 235686 (VCV000235686.25), dbSNP rs143811282, ClinGen allele CA9774876.